The following is an entry in ClinVar:

ClinVar aggregate classification (germline): Uncertain significance. Review status: criteria provided, multiple submitters, no conflicts (2 of 4 stars). 3 submissions from 3 submitters: Uncertain significance (2). 1 of the submissions does not count toward it. Last evaluated 2025-07-13.

Conditions:
Hereditary cancer-predisposing syndrome. Also called: Hereditary Cancer Syndrome; Hereditary neoplastic syndrome; Neoplastic Syndromes, Hereditary; Tumor predisposition. Identifiers: Orphanet 140162, MedGen C0027672, MeSH D009386, MONDO:0015356.
Bloom syndrome (BLM). Also called: Bloom-Torre-Machacek syndrome. Identifiers: Orphanet 125, MedGen C0005859, MONDO:0008876, OMIM 210900.

gnomAD v4.1: 2 of 1,613,788 alleles (0.00012%); highest among the groups gnomAD compares: Admixed American, 0.0017%; no homozygotes.

Submissions (3):

Labcorp Genetics (formerly Invitae), Labcorp
Classification: Uncertain significance for Bloom syndrome. Last evaluated: 2025-07-13. Review status: criteria provided, single submitter. Criteria: Invitae Variant Classification Sherloc (09022015). Collection method: clinical testing. Allele origin: germline.
Comment: This sequence change replaces glycine, which is neutral and non-polar, with aspartic acid, which is acidic and polar, at codon 1129 of the BLM protein (p.Gly1129Asp). This variant is present in population databases (rs375841213, gnomAD 0.003%). This variant has not been reported in the literature in individuals affected with BLM-related conditions. ClinVar contains an entry for this variant (Variation ID: 454138). Invitae Evidence Modeling of protein sequence and biophysical properties (such as structural, functional, and spatial information, amino acid conservation, physicochemical variation, residue mobility, and thermodynamic stability) indicates that this missense variant is expected to disrupt BLM protein function with a positive predictive value of 80%. In summary, the available evidence is currently insufficient to determine the role of this variant in disease. Therefore, it has been classified as a Variant of Uncertain Significance.

Ambry Genetics
Classification: Uncertain significance for Hereditary cancer-predisposing syndrome. Last evaluated: 2024-10-01. Review status: criteria provided, single submitter. Criteria: Ambry Variant Classification Scheme 2023. Collection method: clinical testing. Allele origin: germline.
Comment: The p.G1129D variant (also known as c.3386G>A), located in coding exon 17 of the BLM gene, results from a G to A substitution at nucleotide position 3386. The glycine at codon 1129 is replaced by aspartic acid, an amino acid with similar properties. This amino acid position is conserved. In addition, this alteration is predicted to be deleterious by in silico analysis. Based on the available evidence, the clinical significance of this variant remains unclear.

Natera, Inc.
Classification: Uncertain significance for Bloom syndrome. Last evaluated: 2018-07-16. Review status: no assertion criteria provided. Collection method: clinical testing. Allele origin: germline. Not counted in ClinVar's aggregate classification.

NM_000057.4(BLM):c.3386G>A (p.Gly1129Asp)

Gene: BLM (BLM RecQ like helicase; plus strand). Cytogenetic location: 15q26.1.
Variant type: single nucleotide variant.
Coding change: c.3386G>A on transcript NM_000057.4 (MANE Select); coding-DNA position 3386, G replaced by A.
Protein change: p.Gly1129Asp; replaces glycine 1129 with aspartic acid.
Molecular consequence: missense variant. On other transcripts: intron variant (1).
Genome position (GRCh38, 1-based): chr15:90,803,548, G>A. VCF-style: chr15-90803548-G-A. GRCh37 (hg19) VCF-style: chr15-91346778-G-A.
Other names: c.3386G>A (NM_000057.2); c.3386G>A, p.Gly1129Asp (NM_001287246.2); c.2261G>A, p.Gly754Asp (NM_001287248.2); c.3358+5211G>A (NM_001287247.2); short protein forms G1129D, G754D.
Identifiers: ClinVar variation 454138 (VCV000454138.12), dbSNP rs375841213, ClinGen allele CA274774606.